The following is an entry in ClinVar:

NM_000371.4(TTR):c.166G>C (p.Ala56Pro)

Gene: TTR (transthyretin; plus strand). Cytogenetic location: 18q12.1.
Variant type: single nucleotide variant.
Coding change: c.166G>C on transcript NM_000371.4 (MANE Select); coding-DNA position 166, G replaced by C.
Protein change: p.Ala56Pro; replaces alanine 56 with proline.
Molecular consequence: missense variant.
Genome position (GRCh38, 1-based): chr18:31,592,992, G>C. VCF-style: chr18-31592992-G-C. GRCh37 (hg19) VCF-style: chr18-29172955-G-C.
Other names: A36P; c.166G>C (NM_000371.3); short protein forms A56P.
Identifiers: ClinVar variation 13432 (VCV000013432.7), dbSNP rs121918077, ClinGen allele CA256812.
Genomic context (GRCh38, chr18:31,592,992, plus strand): 5'-GTTCTAGATGCTGTCCGAGGCAGTCCTGCCATCAATGTGGCCGTGCATGTGTTCAGAAAG[G>C]CTGCTGATGACACCTGGGAGCCATTTGCCTCTGGGTAAGTTGCCAAAGAACCCTCCCACA-3'
Protein context (NP_000362.1, residues 46-66): INVAVHVFRK[Ala56Pro]ADDTWEPFAS

ClinVar aggregate classification (germline): Pathogenic/Likely pathogenic. Review status: criteria provided, multiple submitters, no conflicts (2 of 4 stars). 3 submissions from 3 submitters: Pathogenic (1); Likely pathogenic (1). 1 of the submissions does not count toward it. Last evaluated 2026-01-05.

Conditions:
Cardiovascular phenotype. Identifiers: MedGen CN230736.
Amyloidosis, hereditary systemic 1 (AMYLD1). Also called: Transthyretin Amyloidosis; Hereditary Transthyretin Amyloidosis; Isolated Cardiac Amyloidosis; Amyloid Cardiomyopathy, Transthyretin-related; Familial amyloid polyneuropathy; Hereditary oculoleptomeningeal amyloid angiopathy. Identifiers: Orphanet 85447, Orphanet 85451, MedGen C2751492, MONDO:0971004, OMIM 105210.

Submissions (3):

Ambry Genetics
Classification: Likely pathogenic for Cardiovascular phenotype. Last evaluated: 2026-01-05. Review status: criteria provided, single submitter. Criteria: Ambry Variant Classification Scheme 2023. Collection method: clinical testing. Allele origin: germline.
Comment: The p.A56P variant (also known as c.166G>C), located in coding exon 2 of the TTR gene, results from a G to C substitution at nucleotide position 166. The alanine at codon 56 is replaced by proline, an amino acid with highly similar properties. This variant was reported in individual(s) with features consistent with hereditary transthyretin-related amyloidosis (Jacobson DR et al. Hum Genet, 1992;90:158-60; Suhr OB et al. Transplantation, 2016 Feb;100:373-81; Du K et al. Ann Clin Transl Neurol, 2021 Apr;8:831-841). Note, this variant is also referred to as p.A36P in the literature. This amino acid position is not well conserved in available vertebrate species. In addition, this alteration is predicted to be deleterious by in silico analysis. This variant is considered to be rare based on population cohorts in the Genome Aggregation Database (gnomAD). Based on the majority of available evidence to date, this variant is likely to be pathogenic.

Labcorp Genetics (formerly Invitae), Labcorp
Classification: Pathogenic for Amyloidosis, hereditary systemic 1. Last evaluated: 2023-05-19. Review status: criteria provided, single submitter. Criteria: Invitae Variant Classification Sherloc (09022015). Collection method: clinical testing. Allele origin: germline.
Comment: This missense change has been observed in individuals with transthyretin amyloidosis (PMID: 1358785, 23713495). ClinVar contains an entry for this variant (Variation ID: 13432). This variant is not present in population databases (gnomAD no frequency). This variant is also known as p.Ala36Pro. This sequence change replaces alanine, which is neutral and non-polar, with proline, which is neutral and non-polar, at codon 56 of the TTR protein (p.Ala56Pro). Advanced modeling of protein sequence and biophysical properties (such as structural, functional, and spatial information, amino acid conservation, physicochemical variation, residue mobility, and thermodynamic stability) performed at Invitae indicates that this missense variant is expected to disrupt TTR protein function. For these reasons, this variant has been classified as Pathogenic. This variant disrupts the p.Ala56 amino acid residue in TTR. Other variant(s) that disrupt this residue have been determined to be pathogenic (PMID: 27646980). This suggests that this residue is clinically significant, and that variants that disrupt this residue are likely to be disease-causing.

OMIM
Classification: Pathogenic for AMYLOIDOSIS, HEREDITARY SYSTEMIC 1. Last evaluated: 2024-05-20. Review status: no assertion criteria provided. Collection method: literature only. Allele origin: germline. Not counted in ClinVar's aggregate classification.

Literature cited by the submitters: PubMed 1358785 (cited by Ambry Genetics and Labcorp Genetics (formerly Invitae), Labcorp); PubMed 1850191 (cited by Ambry Genetics); PubMed 22745357 (cited by Ambry Genetics); PubMed 23438977 (cited by Ambry Genetics); PubMed 23713495 (cited by Ambry Genetics and Labcorp Genetics (formerly Invitae), Labcorp); PubMed 26521788 (cited by Ambry Genetics); PubMed 26656838 (cited by Ambry Genetics); PubMed 27859927 (cited by Ambry Genetics); PubMed 30198232 (cited by Ambry Genetics); PubMed 33739616 (cited by Ambry Genetics); PubMed 27646980 (cited by Labcorp Genetics (formerly Invitae), Labcorp); Jones, L. A., Skare, J., Harding, J., Cohen, A. S., Skinner, M. A new substitution at position 30 in the transthyretin (TTR) protein associated with familial amyloid polyneuropathy (FAP). (Abstract) Arthritis Rheum. 33 (suppl.): S80, 1990. (cited by OMIM); Jacobson, D. R., Santiago-Schwarz, F., Rosenthal, C. J., Buxbaum, J. Identification of new restriction fragment length polymorphisms associated with familial amyloidotic polyneuropathy. (Abstract) Clin. Res. 35: 594A, 1987. (cited by OMIM).